The following is an entry in ClinVar:

ClinVar aggregate classification (germline): Likely pathogenic. Review status: criteria provided, multiple submitters, no conflicts (2 of 4 stars). 2 submissions from 2 submitters: Likely pathogenic (2). Last evaluated 2025-11-06.

Conditions:
Inherited breast cancer and ovarian cancer.
Hereditary breast ovarian cancer syndrome. Also called: Hereditary breast and ovarian cancer; Hereditary breast and ovarian cancer syndrome (HBOC); Breast and ovarian cancer; Hereditary breast and/or ovarian cancer syndrome; BRCA1- and BRCA2-Associated Hereditary Breast and Ovarian Cancer; Hereditary breast and ovarian cancer syndrome. Identifiers: Orphanet 145, MedGen C0677776, MeSH D061325, MONDO:0003582. Disease mechanism: loss of function.

Submissions (3):

Genetics Laboratory, Great Ormond Street Hospital NHS Foundation Trust, North Thames Genomic Laboratory Hub
Classification: Likely pathogenic for Inherited breast cancer and ovarian cancer. Last evaluated: 2025-11-06. Review status: criteria provided, single submitter. Criteria: CanVIG BRCA Gene Specific V1.22. Collection method: clinical testing. Allele origin: germline. Affected: yes.
Comment: PM2_moderate, PP3_supporting, PS3_strong

Labcorp Genetics (formerly Invitae), Labcorp
Classification: Likely pathogenic for Hereditary breast ovarian cancer syndrome. Last evaluated: 2022-04-01. Review status: criteria provided, single submitter. Criteria: Invitae Variant Classification Sherloc (09022015). Collection method: clinical testing. Allele origin: germline.
Comment: In summary, the currently available evidence indicates that the variant is pathogenic, but additional data are needed to prove that conclusively. Therefore, this variant has been classified as Likely Pathogenic. This variant disrupts the p.Ser1841 amino acid residue in BRCA1. Other variant(s) that disrupt this residue have been determined to be pathogenic (PMID: 20516115, 23522120, 30209399, 32885271). This suggests that this residue is clinically significant, and that variants that disrupt this residue are likely to be disease-causing. Advanced modeling of experimental studies (such as gene expression, population dynamics, functional pathways, and cell-cycle effects in cell culture) performed at Invitae indicates that this missense variant is expected to disrupt BRCA1 protein function. ClinVar contains an entry for this variant (Variation ID: 869004). This variant has not been reported in the literature in individuals affected with BRCA1-related conditions. This variant is not present in population databases (gnomAD no frequency). This sequence change replaces serine, which is neutral and polar, with isoleucine, which is neutral and non-polar, at codon 1841 of the BRCA1 protein (p.Ser1841Ile).

Brotman Baty Institute, University of Washington
No classification provided (evidence only). Condition: Breast-ovarian cancer, familial 1. Review status: no classification provided. Collection method: in vitro. Allele origin: not applicable. Functional consequence: functionally_abnormal. Not counted in ClinVar's aggregate classification.
ClinVar note: "not provided" was previously submitted as the classification for the variant. However, the classification appeared to be based only on an observation of functional data so it was converted to no classification on 2025-07-30.

Literature cited by the submitters: PubMed 20516115 (cited by Labcorp Genetics (formerly Invitae), Labcorp); PubMed 23522120 (cited by Labcorp Genetics (formerly Invitae), Labcorp); PubMed 30209399 (cited by Labcorp Genetics (formerly Invitae), Labcorp); PubMed 32885271 (cited by Labcorp Genetics (formerly Invitae), Labcorp).

NM_007294.4(BRCA1):c.5522G>T (p.Ser1841Ile)

Gene: BRCA1 (BRCA1 DNA repair associated; minus strand). Cytogenetic location: 17q21.31.
Variant type: single nucleotide variant.
Coding change: c.5522G>T on transcript NM_007294.4 (MANE Select); coding-DNA position 5522, G replaced by T.
Protein change: p.Ser1841Ile; replaces serine 1841 with isoleucine.
Molecular consequence: missense variant. On other transcripts: 3 prime UTR variant (1), non-coding transcript variant (1).
Genome position (GRCh38, 1-based): chr17:43,045,748, C>A on the plus strand (G>T on the coding strand, the complement: BRCA1 is on the minus strand). VCF-style: chr17-43045748-C-A. GRCh37 (hg19) VCF-style: chr17-41197765-C-A.
Other names: c.2087G>T, p.Ser696Ile (NM_001408433.1, NM_001408434.1, NM_001408435.1 and 10 more transcripts); c.5444G>T, p.Ser1815Ile (NM_001407653.1, NM_001407654.1, NM_001407655.1 and 1 more transcripts); c.5441G>T, p.Ser1814Ile (NM_001407656.1, NM_001407657.1, NM_001407658.1); c.5438G>T, p.Ser1813Ile (NM_001407659.1, NM_001407660.1, NM_001407661.1 and 2 more transcripts); c.5396G>T, p.Ser1799Ile (NM_001407672.1, NM_001407673.1, NM_001407674.1 and 8 more transcripts); c.5519G>T, p.Ser1840Ile (NM_001407612.1, NM_001407613.1, NM_001407614.1 and 14 more transcripts); c.5393G>T, p.Ser1798Ile (NM_001407681.1, NM_001407682.1, NM_001407683.1 and 6 more transcripts); c.5390G>T, p.Ser1797Ile (NM_001407691.1, NM_001407690.1); and 74 more; short protein forms S1794I, S1841I, S1862I, S737I, S1672I, S1687I, S1713I, S1751I.
Identifiers: ClinVar variation 869004 (VCV000869004.9), dbSNP rs80357368, ClinGen allele CA10590274.